The following is an entry in ClinVar:

ClinVar aggregate classification (germline): Pathogenic. Review status: criteria provided, multiple submitters, no conflicts (2 of 4 stars). 5 submissions from 5 submitters: Pathogenic (4). 1 of the submissions does not count toward it. Last evaluated 2025-04-01.

Conditions:
JAG1-related disorder. Also called: JAG1-related disorders; JAG1-related condition.
Alagille syndrome due to a JAG1 point mutation. Also called: JAG1-Related Alagille Syndrome; Alagille Syndrome 1; HEPATIC DUCTULAR HYPOPLASIA, SYNDROMATIC. Identifiers: Orphanet 261619, Orphanet 52, MedGen C1956125, MONDO:0016862, OMIM 118450.

Submissions (5):

Labcorp Genetics (formerly Invitae), Labcorp
Classification: Pathogenic for Alagille syndrome due to a JAG1 point mutation. Last evaluated: 2025-04-01. Review status: criteria provided, single submitter. Criteria: Invitae Variant Classification Sherloc (09022015). Collection method: clinical testing. Allele origin: germline.
Comment: This sequence change creates a premature translational stop signal (p.Val1055Glufs*7) in the JAG1 gene. While this is not anticipated to result in nonsense mediated decay, it is expected to disrupt the last 164 amino acid(s) of the JAG1 protein. This variant is not present in population databases (gnomAD no frequency). This premature translational stop signal has been observed in individual(s) with Alagille syndrome (PMID: 10220506, 25676721). In at least one individual the variant was observed to be de novo. This variant is also known as 3577–3580delTAAG. ClinVar contains an entry for this variant (Variation ID: 497597). This variant disrupts the C-terminus of the JAG1 protein. Other variant(s) that disrupt this region (p.Phe1068Serfs*6, p.Ile1082*) have been observed in individuals with JAG1-related conditions (PMID: 16575836, 26076142). This suggests that this may be a clinically significant region of the protein. For these reasons, this variant has been classified as Pathogenic.

GeneDx
Classification: Pathogenic. Last evaluated: 2023-03-01. Review status: criteria provided, single submitter. Criteria: GeneDx Variant Classification Process June 2021. Collection method: clinical testing. Allele origin: germline. Affected: yes.
Comment: Frameshift variant predicted to result in protein truncation, as the last 164 amino acids are replaced with 6 different amino acids, and other loss-of-function variants have been reported downstream in HGMD; Not observed at significant frequency in large population cohorts (gnomAD); This variant is associated with the following publications: (PMID: 31160058, 32369273, 17949281, 11139247, 10220506, 31343788, 29555955, 25676721)

Blueprint Genetics
Classification: Pathogenic for JAG1-related disorders. Last evaluated: 2019-02-25. Review status: criteria provided, single submitter. Criteria: ACMG Guidelines, 2015. Collection method: clinical testing. Allele origin: germline. Affected: yes. Observed: 1 variant allele.

Eurofins Ntd Llc (ga)
Classification: Pathogenic. Last evaluated: 2017-04-24. Review status: criteria provided, single submitter. Criteria: EGL Classification Definitions 2015. Collection method: clinical testing. Allele origin: germline. Observed: 2 variant alleles, 2 heterozygotes.

OMIM
Classification: Pathogenic for ALAGILLE SYNDROME 1. Last evaluated: 2022-03-02. Review status: no assertion criteria provided. Collection method: literature only. Allele origin: germline. Not counted in ClinVar's aggregate classification.

Literature cited by the submitters: PubMed 10220506 (cited by Labcorp Genetics (formerly Invitae), Labcorp); PubMed 25676721 (cited by Labcorp Genetics (formerly Invitae), Labcorp); PubMed 16575836 (cited by Labcorp Genetics (formerly Invitae), Labcorp); PubMed 26076142 (cited by Labcorp Genetics (formerly Invitae), Labcorp); PubMed 29555955 (cited by OMIM).

NM_000214.3(JAG1):c.3164_3167del (p.Val1055fs)

Gene: JAG1 (jagged canonical Notch ligand 1; minus strand). Cytogenetic location: 20p12.2.
Variant type: Deletion.
Coding change: c.3164_3167del on transcript NM_000214.3 (MANE Select); coding-DNA positions 3164 to 3167, 4 bases deleted (TAAG; older notation c.3164_3167delTAAG).
Protein change: p.Val1055fs; shifts the reading frame from valine 1055.
Molecular consequence: frameshift variant.
Genome position (GRCh38, 1-based): chr20:10,640,815-10,640,818, CTTA deleted on the plus strand (TAAG on the coding strand, the reverse complement: JAG1 is on the minus strand); deleting any 4 consecutive bases within chr20:10,640,815-10,640,821 gives the same sequence; the c. name uses the placement nearest the transcript's 3' end. VCF-style (leftmost placement, unchanged base first): chr20-10640814-TCTTA-T. GRCh37 (hg19) VCF-style: chr20-10621462-TCTTA-T.
Other names: c.3164_3167del (NM_000214.2); short protein forms V1055fs.
Identifiers: ClinVar variation 497597 (VCV000497597.14), dbSNP rs1555827653, ClinGen allele CA658799325.